The following is an entry in ClinVar:

ClinVar aggregate classification (germline): Uncertain significance. Review status: criteria provided, multiple submitters, no conflicts (2 of 4 stars). 2 submissions from 2 submitters: Uncertain significance (2). Last evaluated 2024-04-01.

Conditions:
Hereditary cancer-predisposing syndrome. Also called: Hereditary neoplastic syndrome; Neoplastic Syndromes, Hereditary; Tumor predisposition; Hereditary Cancer Syndrome. Identifiers: Orphanet 140162, MedGen C0027672, MeSH D009386, MONDO:0015356.
Renal cell carcinoma. Identifiers: Orphanet 217071, MedGen C0007134, MeSH D002292, MONDO:0005086, HP:0005584.

Allele frequency attached by ClinVar (database versions not stated): gnomAD exomes below 0.00001.
gnomAD v4.1: 1 of 1,614,056 alleles (0.000062%); highest among the groups gnomAD compares: Non-Finnish European, 0.000085%; no homozygotes.

Submissions (2):

Ambry Genetics
Classification: Uncertain significance for Hereditary cancer-predisposing syndrome. Last evaluated: 2024-04-01. Review status: criteria provided, single submitter. Criteria: Ambry Variant Classification Scheme 2023. Collection method: clinical testing. Allele origin: germline.
Comment: The p.C819R variant (also known as c.2455T>C), located in coding exon 10 of the MET gene, results from a T to C substitution at nucleotide position 2455. The cysteine at codon 819 is replaced by arginine, an amino acid with highly dissimilar properties. This amino acid position is highly conserved in available vertebrate species. In addition, this alteration is predicted to be deleterious by in silico analysis. Based on the available evidence, the clinical significance of this alteration remains unclear.

Labcorp Genetics (formerly Invitae), Labcorp
Classification: Uncertain significance for Renal cell carcinoma. Last evaluated: 2019-01-21. Review status: criteria provided, single submitter. Criteria: Invitae Variant Classification Sherloc (09022015). Collection method: clinical testing. Allele origin: germline.
Comment: In summary, the available evidence is currently insufficient to determine the role of this variant in disease. Therefore, it has been classified as a Variant of Uncertain Significance. Algorithms developed to predict the effect of missense changes on protein structure and function are either unavailable or do not agree on the potential impact of this missense change (SIFT: "Deleterious"; PolyPhen-2: "Probably Damaging"; Align-GVGD: "Class C0"). This variant has not been reported in the literature in individuals with MET-related conditions. This variant is not present in population databases (ExAC no frequency). This sequence change replaces cysteine with arginine at codon 819 of the MET protein (p.Cys819Arg). The cysteine residue is highly conserved and there is a large physicochemical difference between cysteine and arginine.

NM_000245.4(MET):c.2401T>C (p.Cys801Arg)

Gene: MET (MET proto-oncogene, receptor tyrosine kinase; plus strand). Cytogenetic location: 7q31.2.
Variant type: single nucleotide variant.
Coding change: c.2401T>C on transcript NM_000245.4 (MANE Select); coding-DNA position 2401, T replaced by C.
Protein change: p.Cys801Arg; replaces cysteine 801 with arginine.
Molecular consequence: missense variant.
Genome position (GRCh38, 1-based): chr7:116,763,086, T>C. VCF-style: chr7-116763086-T-C. GRCh37 (hg19) VCF-style: chr7-116403140-T-C.
Other names: c.2455T>C, p.Cys819Arg (NM_001127500.3); c.2401T>C, p.Cys801Arg (NM_001324401.3); c.1111T>C, p.Cys371Arg (NM_001324402.2); short protein forms C371R, C801R, C819R.
Identifiers: ClinVar variation 834790 (VCV000834790.10), dbSNP rs1794461185, ClinGen allele CA368983008.